The following is an entry in ClinVar:

ClinVar aggregate classification (germline): Conflicting classifications of pathogenicity. Review status: criteria provided, conflicting classifications (1 of 4 stars). 2 submissions from 2 submitters: Likely pathogenic (1); Uncertain significance (1). Last evaluated 2022-03-29.

Conditions:
Familial hypokalemia-hypomagnesemia (GTLMNS). Also called: HYPOMAGNESEMIA-HYPOKALEMIA, PRIMARY RENOTUBULAR, WITH HYPOCALCIURIA; POTASSIUM AND MAGNESIUM DEPLETION; gitelman syndrome. Identifiers: Orphanet 358, MedGen C0268450, MONDO:0009904, OMIM 263800.

Submissions (2):

Labcorp Genetics (formerly Invitae), Labcorp
Classification: Uncertain significance. Last evaluated: 2022-03-29. Review status: criteria provided, single submitter. Criteria: Invitae Variant Classification Sherloc (09022015). Collection method: clinical testing. Allele origin: germline.
Comment: This sequence change replaces aspartic acid, which is acidic and polar, with glycine, which is neutral and non-polar, at codon 841 of the SLC12A3 protein (p.Asp841Gly). This variant is not present in population databases (gnomAD no frequency). This missense change has been observed in individual(s) with Gitelman syndrome (PMID: 29378538). ClinVar contains an entry for this variant (Variation ID: 487479). Advanced modeling of protein sequence and biophysical properties (such as structural, functional, and spatial information, amino acid conservation, physicochemical variation, residue mobility, and thermodynamic stability) performed at Invitae indicates that this missense variant is expected to disrupt SLC12A3 protein function. In summary, the available evidence is currently insufficient to determine the role of this variant in disease. Therefore, it has been classified as a Variant of Uncertain Significance.

Department of Endocrinology, Sir Run Run Shaw Hospital
Classification: Likely pathogenic for Familial hypokalemia-hypomagnesemia. Last evaluated: 2016-01-01. Review status: criteria provided, single submitter. Criteria: ACMG Guidelines, 2015. Collection method: clinical testing. Allele origin: germline. Affected: yes. Observed: 1 variant allele.
Comment: It was perceived as a compound heterozygous variant of SLC12A3 gene.

Literature cited by the submitters: PubMed 29378538 (cited by Labcorp Genetics (formerly Invitae), Labcorp).

NM_001126108.2(SLC12A3):c.2495A>G (p.Asp832Gly)

Gene: SLC12A3 (solute carrier family 12 member 3; plus strand). Cytogenetic location: 16q13.
Variant type: single nucleotide variant.
Coding change: c.2495A>G on transcript NM_001126108.2 (MANE Select); coding-DNA position 2495, A replaced by G.
Protein change: p.Asp832Gly; replaces aspartic acid 832 with glycine.
Molecular consequence: missense variant.
Genome position (GRCh38, 1-based): chr16:56,893,028, A>G. VCF-style: chr16-56893028-A-G. GRCh37 (hg19) VCF-style: chr16-56926940-A-G.
Other names: c.2522A>G, p.Asp841Gly (NM_000339.3); c.2519A>G, p.Asp840Gly (NM_001126107.2); short protein forms D841G, D840G, D832G.
Identifiers: ClinVar variation 487479 (VCV000487479.3), dbSNP rs1555501437, ClinGen allele CA395996336.
Genomic context (GRCh38, chr16:56,893,028, plus strand): 5'-TGGTGAAGGAGGAGCAGGCCACCACCATCTTCCAGTCGGAGCAGGGCAAGAAGACCATAG[A>G]CATCTACTGGCTCTTTGACGATGGAGGTCAGTGACCCCCTTGGATCAGCCCTCCTGCCCG-3'
Protein context (NP_001119580.2, residues 822-842): FQSEQGKKTI[Asp832Gly]IYWLFDDGGL